The following is an entry in ClinVar:

NM_002528.7(NTHL1):c.511G>C (p.Val171Leu)

Gene: NTHL1 (nth like DNA glycosylase 1; minus strand). Cytogenetic location: 16p13.3.
Variant type: single nucleotide variant.
Coding change: c.511G>C on transcript NM_002528.7 (MANE Select); coding-DNA position 511, G replaced by C.
Protein change: p.Val171Leu; replaces valine 171 with leucine.
Molecular consequence: missense variant. On other transcripts: intron variant (1).
Genome position (GRCh38, 1-based): chr16:2,044,644, C>G on the plus strand (G>C on the coding strand, the complement: NTHL1 is on the minus strand). VCF-style: chr16-2044644-C-G. GRCh37 (hg19) VCF-style: chr16-2094645-C-G.
Other names: c.511G>C, p.Val171Leu (LRG_1366t1); c.181G>C, p.Val61Leu (NM_001318194.2); c.355-918G>C (NM_001318193.2); short protein forms V61L, V171L.
Identifiers: ClinVar variation 665248 (VCV000665248.16), dbSNP rs561923127, ClinGen allele CA7828236.

ClinVar aggregate classification (germline): Uncertain significance. Review status: criteria provided, multiple submitters, no conflicts (2 of 4 stars). 6 submissions from 6 submitters: Uncertain significance (6). Last evaluated 2026-07-17.

Conditions:
NTHL1-related disorder. Also called: NTHL1-related condition; NTHL1-related conditions.
Familial adenomatous polyposis 3. Also called: NTHL1-Related Adenomatous Polyposis and Colorectal Cancer; NTHL1-associated polyposis; NTHL1-related attenuated familial adenomatous polyposis; NTHL1 Tumor Syndrome. Identifiers: Orphanet 220460, Orphanet 454840, MedGen C4225157, MONDO:0014630, OMIM 616415.
Hereditary cancer-predisposing syndrome. Also called: Tumor predisposition; Hereditary neoplastic syndrome; Hereditary Cancer Syndrome; Neoplastic Syndromes, Hereditary. Identifiers: Orphanet 140162, MedGen C0027672, MeSH D009386, MONDO:0015356.

gnomAD v4.1: 16 of 1,606,060 alleles (0.001%); highest among the groups gnomAD compares: Non-Finnish European, 0.0013%; no homozygotes.

Submissions (6):

PreventionGenetics, part of Exact Sciences
Classification: Uncertain significance for NTHL1-related condition. Last evaluated: 2026-07-17. Review status: criteria provided, single submitter. Criteria: ACMG Guidelines, 2015. Collection method: clinical testing. Allele origin: germline.
Comment: The NTHL1 c.535G>C variant is predicted to result in the amino acid substitution p.Val179Leu. To our knowledge, this variant has not been reported in the literature. This variant is reported in 0.0018% of alleles in individuals of European (Non-Finnish) descent in gnomAD. This variant has an interpretation of uncertain significance in ClinVar (Variation ID: 665248). At this time, the clinical significance of this variant is uncertain due to the absence of conclusive functional and genetic evidence.

Labcorp Genetics (formerly Invitae), Labcorp
Classification: Uncertain significance. Last evaluated: 2025-11-20. Review status: criteria provided, single submitter. Criteria: Invitae Variant Classification Sherloc (09022015). Collection method: clinical testing. Allele origin: germline.
Comment: This sequence change replaces valine, which is neutral and non-polar, with leucine, which is neutral and non-polar, at codon 179 of the NTHL1 protein (p.Val179Leu). This variant is present in population databases (rs561923127, gnomAD 0.002%). This variant has not been reported in the literature in individuals affected with NTHL1-related conditions. ClinVar contains an entry for this variant (Variation ID: 665248). An algorithm developed to predict the effect of missense changes on protein structure and function (PolyPhen-2) suggests that this variant is likely to be disruptive. In summary, the available evidence is currently insufficient to determine the role of this variant in disease. Therefore, it has been classified as a Variant of Uncertain Significance.

Quest Diagnostics Nichols Institute San Juan Capistrano
Classification: Uncertain significance. Last evaluated: 2023-11-24. Review status: criteria provided, single submitter. Criteria: Quest Diagnostics criteria. Collection method: clinical testing. Allele origin: unknown.
Comment: The NTHL1 c.535G>C (p.Val179Leu) variant has not been reported in individuals with NTHL1-related conditions in the published literature. The frequency of this variant in the general population, 0.0000082 (2/244868 chromosomes (Genome Aggregation Database)), is uninformative in the assessment of its pathogenicity. Analysis of this variant using bioinformatics tools for the prediction of the effect of amino acid changes on protein structure and function yielded predictions that this variant is damaging. Based on the available information, we are unable to determine the clinical significance of this variant.

Ambry Genetics
Classification: Uncertain significance for Hereditary cancer-predisposing syndrome. Last evaluated: 2023-11-13. Review status: criteria provided, single submitter. Criteria: Ambry Variant Classification Scheme 2023. Collection method: clinical testing. Allele origin: germline.
Comment: The p.V179L variant (also known as c.535G>C), located in coding exon 3 of the NTHL1 gene, results from a G to C substitution at nucleotide position 535. The valine at codon 179 is replaced by leucine, an amino acid with highly similar properties. This amino acid position is highly conserved in available vertebrate species. In addition, this alteration is predicted to be deleterious by in silico analysis. Since supporting evidence is limited at this time, the clinical significance of this alteration remains unclear.

Baylor Genetics
Classification: Uncertain significance for Familial adenomatous polyposis 3. Last evaluated: 2023-08-25. Review status: criteria provided, single submitter. Criteria: ACMG Guidelines, 2015. Collection method: clinical testing. Allele origin: unknown.

GeneDx
Classification: Uncertain significance. Last evaluated: 2019-08-21. Review status: criteria provided, single submitter. Criteria: GeneDx Variant Classification Process June 2021. Collection method: clinical testing. Allele origin: germline. Affected: yes.
Comment: Not observed at a significant frequency in large population cohorts (Lek 2016); In silico analysis, which includes protein predictors and evolutionary conservation, supports a deleterious effect; Has not been previously published as pathogenic or benign to our knowledge